The following is an entry in ClinVar:

NM_032119.4(ADGRV1):c.9492T>G (p.Asp3164Glu)

Gene: ADGRV1 (adhesion G protein-coupled receptor V1; plus strand). Cytogenetic location: 5q14.3.
Variant type: single nucleotide variant.
Coding change: c.9492T>G on transcript NM_032119.4 (MANE Select); coding-DNA position 9492, T replaced by G.
Protein change: p.Asp3164Glu; replaces aspartic acid 3164 with glutamic acid.
Molecular consequence: missense variant. On other transcripts: non-coding transcript variant (1).
Genome position (GRCh38, 1-based): chr5:90,720,092, T>G. VCF-style: chr5-90720092-T-G. GRCh37 (hg19) VCF-style: chr5-90015909-T-G.
Other names: c.9492T>G (NM_032119.3); short protein forms D3164E.
Identifiers: ClinVar variation 1468255 (VCV001468255.9), dbSNP rs199691594, ClinGen allele CA3340521.

ClinVar aggregate classification (germline): Conflicting classifications of pathogenicity. Review status: criteria provided, conflicting classifications (1 of 4 stars). 2 submissions from 2 submitters: Uncertain significance (1); Likely benign (1). Last evaluated 2024-09-26.

Allele frequency attached by ClinVar (database versions not stated): ExAC 0.00001; gnomAD exomes 0.00001; TOPMed 0.00004; gnomAD 0.00005; ESP Exome Variant Server 0.00008; 1000 Genomes Project 30x 0.00016; 1000 Genomes Project 0.00020.
gnomAD v4.1: 19 of 1,613,748 alleles (0.0012%); highest among the groups gnomAD compares: African/African-American, 0.023%; no homozygotes.

Submissions (2):

GeneDx
Classification: Uncertain significance. Last evaluated: 2024-09-26. Review status: criteria provided, single submitter. Criteria: GeneDx Variant Classification Process June 2021. Collection method: clinical testing. Allele origin: germline. Affected: yes.
Comment: In silico analysis indicates that this missense variant does not alter protein structure/function; Has not been previously published as pathogenic or benign to our knowledge; In silico analysis suggests this variant may impact gene splicing. In the absence of RNA/functional studies, the actual effect of this sequence change is unknown.

Labcorp Genetics (formerly Invitae), Labcorp
Classification: Likely benign. Last evaluated: 2024-02-06. Review status: criteria provided, single submitter. Criteria: Invitae Variant Classification Sherloc (09022015). Collection method: clinical testing. Allele origin: germline.